The following is an entry in ClinVar:

NM_022095.4(ZNF335):c.47C>G (p.Pro16Arg)

Gene: ZNF335 (zinc finger protein 335; minus strand). Cytogenetic location: 20q13.12.
Variant type: single nucleotide variant.
Coding change: c.47C>G on transcript NM_022095.4 (MANE Select); coding-DNA position 47, C replaced by G.
Protein change: p.Pro16Arg; replaces proline 16 with arginine.
Molecular consequence: missense variant.
Genome position (GRCh38, 1-based): chr20:45,971,364, G>C on the plus strand (C>G on the coding strand, the complement: ZNF335 is on the minus strand). VCF-style: chr20-45971364-G-C. GRCh37 (hg19) VCF-style: chr20-44600003-G-C.
Other names: short protein forms P16R.
Identifiers: ClinVar variation 3254947 (VCV003254947.1), dbSNP rs780195325.
Genomic context (GRCh38, chr20:45,971,364, plus strand): 5'-GACACGGCTTCTGAGGTGCCCACACCCAGGCCGCTCTCAGAGGGCTCCTCGGGCCGGCCA[G>C]GCCCAGGGGCCGCGTCGCTGCTGCTCTCCACCTCGTTCTCCTCCATCTGATCGGCGGGCT-3'
Protein context (NP_071378.1, residues 6-26): VESSSDAAPG[Pro16Arg]GRPEEPSESG

ClinVar aggregate classification (germline): Uncertain significance (1 of 4 stars; one submission).

Conditions:
Microcephalic primordial dwarfism due to ZNF335 deficiency. Also called: Primary autosomal recessive microcephaly 10. Identifiers: Orphanet 329228, MedGen C3554499, MONDO:0014043, OMIM 615095.

gnomAD v4.1: 6 of 1,600,516 alleles (0.00037%); highest among the groups gnomAD compares: South Asian, 0.0066%; no homozygotes.

Submission:

Victorian Clinical Genetics Services, Murdoch Childrens Research Institute
Classification: Uncertain significance for Microcephalic primordial dwarfism due to ZNF335 deficiency. Last evaluated: 2023-07-17. Review status: criteria provided, single submitter. Criteria: ACMG Guidelines, 2015. Collection method: clinical testing. Allele origin: germline. Inheritance: Autosomal recessive inheritance. Affected: yes.
Comment: Based on the classification scheme VCGS_Germline_v1.3.4, this variant is classified as VUS-3B. Following criteria are met: 0102 - Loss of function is a known mechanism of disease in this gene and is associated with primary microcephaly 10 (MIM#615095). (I) 0106 - This gene is associated with autosomal recessive disease. (I) 0200 - Variant is predicted to result in a missense amino acid change from proline to arginine. (I) 0252 - This variant is homozygous. (I) 0304 - Variant is present in gnomAD <0.01 for a recessive condition (v2: 2 heterozygotes, 0 homozygotes). (SP) 0309 - An alternative amino acid change at the same position has been observed in gnomAD (v2: 7 heterozygotes, 0 homozygotes). (I) 0502 - Missense variant with conflicting in silico predictions and moderate conservation. (I) 0604 - Variant is not located in an established domain, motif, hotspot or informative constraint region. (I) 0705 - No comparable missense variants have previous evidence for pathogenicity. (I) 0807 - This variant has no previous evidence of pathogenicity. (I) 0905 - No published segregation evidence has been identified for this variant. (I) 1007 - No published functional evidence has been identified for this variant. (I) Legend: (SP) - Supporting pathogenic, (I) - Information, (SB) - Supporting benign